The following is an entry in ClinVar:

ClinVar aggregate classification (germline): Uncertain significance. Review status: criteria provided, multiple submitters, no conflicts (2 of 4 stars). 3 submissions from 3 submitters: Uncertain significance (3). Last evaluated 2025-02-15.

Allele frequency attached by ClinVar (database versions not stated): gnomAD exomes below 0.00001.
gnomAD v4.1: 2 of 1,614,252 alleles (0.00012%); highest among the groups gnomAD compares: Non-Finnish European, 0.00017%; no homozygotes.

Submissions (3):

Mayo Clinic Laboratories, Mayo Clinic
Classification: Uncertain significance. Last evaluated: 2025-02-15. Review status: criteria provided, single submitter. Criteria: ACMG Guidelines, 2015. Collection method: clinical testing. Allele origin: germline. Observed: 1 variant allele.
Comment: PM2_supporting

Labcorp Genetics (formerly Invitae), Labcorp
Classification: Uncertain significance. Last evaluated: 2023-11-15. Review status: criteria provided, single submitter. Criteria: Invitae Variant Classification Sherloc (09022015). Collection method: clinical testing. Allele origin: germline.
Comment: This sequence change replaces glycine, which is neutral and non-polar, with aspartic acid, which is acidic and polar, at codon 264 of the NDUFV1 protein (p.Gly264Asp). This variant is not present in population databases (gnomAD no frequency). This variant has not been reported in the literature in individuals affected with NDUFV1-related conditions. ClinVar contains an entry for this variant (Variation ID: 1691022). Advanced modeling of protein sequence and biophysical properties (such as structural, functional, and spatial information, amino acid conservation, physicochemical variation, residue mobility, and thermodynamic stability) performed at Invitae indicates that this missense variant is not expected to disrupt NDUFV1 protein function with a negative predictive value of 80%. In summary, the available evidence is currently insufficient to determine the role of this variant in disease. Therefore, it has been classified as a Variant of Uncertain Significance.

Laboratorio de Genetica e Diagnostico Molecular, Hospital Israelita Albert Einstein
Classification: Uncertain significance. Last evaluated: 2021-04-06. Review status: criteria provided, single submitter. Criteria: ACMG Guidelines, 2015. Collection method: clinical testing. Allele origin: germline. Affected: yes.
Comment: ACMG classification criteria: PM2, BP1

NM_007103.4(NDUFV1):c.791G>A (p.Gly264Asp)

Gene: NDUFV1 (NADH:ubiquinone oxidoreductase core subunit V1; plus strand). Cytogenetic location: 11q13.2.
Variant type: single nucleotide variant.
Coding change: c.791G>A on transcript NM_007103.4 (MANE Select); coding-DNA position 791, G replaced by A.
Protein change: p.Gly264Asp; replaces glycine 264 with aspartic acid.
Molecular consequence: missense variant.
Genome position (GRCh38, 1-based): chr11:67,611,085, G>A. VCF-style: chr11-67611085-G-A. GRCh37 (hg19) VCF-style: chr11-67378556-G-A.
Other names: p.Gly264Asp; c.764G>A, p.Gly255Asp (NM_001166102.2); short protein forms G255D, G264D.
Identifiers: ClinVar variation 1691022 (VCV001691022.6), dbSNP rs1202963769, ClinGen allele CA381538366.
Genomic context (GRCh38, chr11:67,611,085, plus strand): 5'-ACGTGGAGACAGTGGCAGTGTCCCCCACAATCTGCCGCCGTGGAGGTACCTGGTTTGCTG[G>A]CTTTGGCAGAGAACGCAACTCAGGCACCAAACTATTCAACATCTCTGGCCATGTCAACCA-3'
Protein context (NP_009034.2, residues 254-274): ICRRGGTWFA[Gly264Asp]FGRERNSGTK